The following is an entry in ClinVar:

NM_006904.7(PRKDC):c.3416A>G (p.Glu1139Gly)

Gene: PRKDC (protein kinase, DNA-activated, catalytic subunit; minus strand). Cytogenetic location: 8q11.21.
Variant type: single nucleotide variant.
Coding change: c.3416A>G on transcript NM_006904.7 (MANE Select); coding-DNA position 3416, A replaced by G.
Protein change: p.Glu1139Gly; replaces glutamic acid 1139 with glycine.
Molecular consequence: missense variant.
Genome position (GRCh38, 1-based): chr8:47,898,518, T>C on the plus strand (A>G on the coding strand, the complement: PRKDC is on the minus strand). VCF-style: chr8-47898518-T-C. GRCh37 (hg19) VCF-style: chr8-48811078-T-C.
Other names: c.3416A>G, p.Glu1139Gly (NM_001081640.2); short protein forms E1139G.
Identifiers: ClinVar variation 1731212 (VCV001731212.4), dbSNP rs1470845582, ClinGen allele CA371154583.

ClinVar aggregate classification (germline): Uncertain significance. Review status: criteria provided, multiple submitters, no conflicts (2 of 4 stars). 2 submissions from 2 submitters: Uncertain significance (2). Last evaluated 2024-10-10.

Conditions:
Severe combined immunodeficiency due to DNA-PKcs deficiency. Also called: IMMUNODEFICIENCY 26 WITH NEUROLOGIC ABNORMALITIES; Immunodeficiency 26 with or without neurologic abnormalities. Identifiers: Orphanet 317425, MedGen C4014833, MONDO:0014423, OMIM 615966.

Allele frequency attached by ClinVar (database versions not stated): gnomAD exomes below 0.00001; gnomAD 0.00001; TOPMed 0.00001.
gnomAD v4.1: 2 of 1,566,028 alleles (0.00013%); highest among the groups gnomAD compares: Admixed American, 0.0036%; no homozygotes.

Submissions (2):

Labcorp Genetics (formerly Invitae), Labcorp
Classification: Uncertain significance for Severe combined immunodeficiency due to DNA-PKcs deficiency. Last evaluated: 2024-10-10. Review status: criteria provided, single submitter. Criteria: Invitae Variant Classification Sherloc (09022015). Collection method: clinical testing. Allele origin: germline.
Comment: This sequence change replaces glutamic acid, which is acidic and polar, with glycine, which is neutral and non-polar, at codon 1139 of the PRKDC protein (p.Glu1139Gly). This variant is not present in population databases (gnomAD no frequency). This variant has not been reported in the literature in individuals affected with PRKDC-related conditions. ClinVar contains an entry for this variant (Variation ID: 1731212). Invitae Evidence Modeling of protein sequence and biophysical properties (such as structural, functional, and spatial information, amino acid conservation, physicochemical variation, residue mobility, and thermodynamic stability) indicates that this missense variant is not expected to disrupt PRKDC protein function with a negative predictive value of 80%. In summary, the available evidence is currently insufficient to determine the role of this variant in disease. Therefore, it has been classified as a Variant of Uncertain Significance.

Ambry Genetics
Classification: Uncertain significance. Last evaluated: 2021-09-18. Review status: criteria provided, single submitter. Criteria: Ambry Variant Classification Scheme 2023. Collection method: clinical testing. Allele origin: germline.
Comment: The p.E1139G variant (also known as c.3416A>G), located in coding exon 29 of the PRKDC gene, results from an A to G substitution at nucleotide position 3416. The glutamic acid at codon 1139 is replaced by glycine, an amino acid with similar properties. This amino acid position is conserved. In addition, this alteration is predicted to be tolerated by in silico analysis. Since supporting evidence is limited at this time, the clinical significance of this alteration remains unclear.